The following is an entry in ClinVar:

ClinVar aggregate classification (germline): Likely benign. Review status: criteria provided, multiple submitters, no conflicts (2 of 4 stars). 3 submissions from 3 submitters: Likely benign (2). 1 of the submissions does not count toward it. Last evaluated 2022-06-02.

Conditions:
Familial cancer of breast. Also called: BREAST CANCER, FAMILIAL; Hereditary breast cancer; hereditary breast carcinoma. Identifiers: Orphanet 227535, MedGen C0346153, MONDO:0016419, OMIM 114480. Disease mechanism: loss of function.
Hereditary cancer-predisposing syndrome. Also called: Hereditary neoplastic syndrome; Neoplastic Syndromes, Hereditary; Tumor predisposition; Hereditary Cancer Syndrome. Identifiers: Orphanet 140162, MedGen C0027672, MeSH D009386, MONDO:0015356.

Submissions (3):

Labcorp Genetics (formerly Invitae), Labcorp
Classification: Likely benign for Familial cancer of breast. Last evaluated: 2022-06-02. Review status: criteria provided, single submitter. Criteria: Invitae Variant Classification Sherloc (09022015). Collection method: clinical testing. Allele origin: germline.

Ambry Genetics
Classification: Likely benign for Hereditary cancer-predisposing syndrome. Last evaluated: 2020-07-16. Review status: criteria provided, single submitter. Criteria: Ambry Variant Classification Scheme 2023. Collection method: clinical testing. Allele origin: germline.

Leiden Open Variation Database
Classification: Uncertain significance. Last evaluated: 2018-10-10. Review status: no assertion criteria provided. Collection method: curation. Allele origin: germline. Affected: yes. Not counted in ClinVar's aggregate classification.
Comment: Curators: Marc Tischkowitz, Arleen D. Auerbach. Submitter to LOVD: Yukihide Momozawa.

Literature cited by the submitters: PubMed 30287823 (cited by Leiden Open Variation Database).

NM_024675.4(PALB2):c.3453C>T (p.Leu1151=)

Gene: PALB2 (partner and localizer of BRCA2; minus strand). Cytogenetic location: 16p12.2.
Variant type: single nucleotide variant.
Coding change: c.3453C>T on transcript NM_024675.4 (MANE Select); coding-DNA position 3453, C replaced by T.
Protein change: p.Leu1151=; no amino-acid change (leucine 1151 retained).
Molecular consequence: synonymous variant.
Genome position (GRCh38, 1-based): chr16:23,603,567, G>A on the plus strand (C>T on the coding strand, the complement: PALB2 is on the minus strand). VCF-style: chr16-23603567-G-A. GRCh37 (hg19) VCF-style: chr16-23614888-G-A.
Identifiers: ClinVar variation 830207 (VCV000830207.8), dbSNP rs777315394, ClinGen allele CA494173614.